The following is an entry in ClinVar:

ClinVar aggregate classification (germline): Pathogenic (1 of 4 stars; one submission).

Conditions:
Hereditary cancer-predisposing syndrome. Also called: Neoplastic Syndromes, Hereditary; Tumor predisposition; Hereditary Cancer Syndrome; Hereditary neoplastic syndrome. Identifiers: Orphanet 140162, MedGen C0027672, MeSH D009386, MONDO:0015356.

Submission:

Ambry Genetics
Classification: Pathogenic for Hereditary cancer-predisposing syndrome. Last evaluated: 2021-07-29. Review status: criteria provided, single submitter. Criteria: Ambry Variant Classification Scheme 2023. Collection method: clinical testing. Allele origin: germline.
Comment: The c.865_866insCTGT pathogenic mutation, located in coding exon 8 of the PMS2 gene, results from an insertion of 4 nucleotides at position 865, causing a translational frameshift with a predicted alternate stop codon (p.F289Sfs*11). This alteration is expected to result in loss of function by premature protein truncation or nonsense-mediated mRNA decay. As such, this alteration is interpreted as a disease-causing mutation.

NM_000535.7(PMS2):c.865_866insCTGT (p.Phe289fs)

Gene: PMS2 (PMS1 homolog 2, mismatch repair system component; minus strand). Cytogenetic location: 7p22.1.
Variant type: Insertion.
Coding change: c.865_866insCTGT on transcript NM_000535.7 (MANE Select); coding-DNA positions 865 to 866, CTGT inserted.
Protein change: p.Phe289fs; shifts the reading frame from phenylalanine 289.
Molecular consequence: frameshift variant. On other transcripts: 5 prime UTR variant (2), non-coding transcript variant (1).
Genome position: GRCh38 VCF-style: chr7-5995571-A-AACAG. GRCh37 (hg19) VCF-style: chr7-6035202-A-AACAG.
Other names: c.458_459insGTCT, p.Phe154Serfs (NM_001018040.1, NM_001406887.1, NM_001406888.1 and 15 more transcripts); c.460_461insCTGT, p.Phe154fs (NM_001322003.2, NM_001322004.2, NM_001322005.2 and 2 more transcripts); c.865_866insCTGT, p.Phe289fs (NM_001322006.2, NM_001322014.2); c.547_548insCTGT, p.Phe183fs (NM_001322007.2, NM_001322008.2); c.-69_-68insCTGT (NM_001322011.2, NM_001322012.2); c.292_293insCTGT, p.Phe98fs (NM_001322013.2); c.556_557insCTGT, p.Phe186fs (NM_001322015.2); c.1049_1050insGTCT, p.Phe351Serfs (NM_001406866.1); and 10 more; short protein forms F154fs, F186fs, F289fs, F183fs, F98fs.
Identifiers: ClinVar variation 1764188 (VCV001764188.2), dbSNP rs2536146406, ClinGen allele CA2580076802.
Genomic context (GRCh38, chr7:5,995,571, plus strand): 5'-TAACACAAAAAAATTTTAAATACCTTTGCTGGGTCACAAGGCCGCCGGTTGATAAAGAAA[A>AACAG]ACTGTCTGTCTGTTGAACTCCTTCCAACTCCATGCGTGCATTGTGAAATGAAACCTGAGA-3'